The following is an entry in ClinVar:

NM_001099274.3(TINF2):c.144G>C (p.Leu48Phe)

Genes: TINF2 (TERF1 interacting nuclear factor 2; minus strand), LOC130055403 (ATAC-STARR-seq lymphoblastoid active region 8199; plus strand). Cytogenetic location: 14q12.
Variant type: single nucleotide variant.
Coding change: c.144G>C on transcript NM_001099274.3 (MANE Select); coding-DNA position 144, G replaced by C.
Protein change: p.Leu48Phe; replaces leucine 48 with phenylalanine.
Molecular consequence: missense variant.
Genome position (GRCh38, 1-based): chr14:24,242,189, C>G on the plus strand (G>C on the coding strand, the complement: TINF2 is on the minus strand). VCF-style: chr14-24242189-C-G. GRCh37 (hg19) VCF-style: chr14-24711395-C-G.
Other names: c.144G>C, p.Leu48Phe (NM_001363668.2, NM_012461.3); short protein forms L48F.
Identifiers: ClinVar variation 1483521 (VCV001483521.6), dbSNP rs2139003740, ClinGen allele CA389235442.

ClinVar aggregate classification (germline): Uncertain significance (1 of 4 stars; one submission).

Conditions:
Dyskeratosis congenita. Identifiers: Orphanet 1775, MedGen C0265965, MONDO:0015780.

Submission:

Labcorp Genetics (formerly Invitae), Labcorp
Classification: Uncertain significance for Dyskeratosis congenita. Last evaluated: 2021-10-21. Review status: criteria provided, single submitter. Criteria: Invitae Variant Classification Sherloc (09022015). Collection method: clinical testing. Allele origin: germline.
Comment: This sequence change replaces leucine with phenylalanine at codon 48 of the TINF2 protein (p.Leu48Phe). The leucine residue is highly conserved and there is a small physicochemical difference between leucine and phenylalanine. This variant has not been reported in the literature in individuals affected with TINF2-related conditions. This variant is not present in population databases (ExAC no frequency). Algorithms developed to predict the effect of missense changes on protein structure and function are either unavailable or do not agree on the potential impact of this missense change (SIFT: "Deleterious"; PolyPhen-2: "Possibly Damaging"; Align-GVGD: "Class C15"). In summary, the available evidence is currently insufficient to determine the role of this variant in disease. Therefore, it has been classified as a Variant of Uncertain Significance.